The following is an entry in ClinVar:

NM_000257.4(MYH7):c.1361dup (p.Tyr455fs)

Gene: MYH7 (myosin heavy chain 7; minus strand). Cytogenetic location: 14q11.2.
Variant type: Duplication.
Coding change: c.1361dup on transcript NM_000257.4 (MANE Select); coding-DNA position 1361, one base duplicated (A; older notation c.1361dupA).
Protein change: p.Tyr455fs; shifts the reading frame from tyrosine 455.
Molecular consequence: frameshift variant.
Genome position (GRCh38, 1-based): chr14:23,429,001, T duplicated on the plus strand (A on the coding strand, the reverse complement: MYH7 is on the minus strand). VCF-style (leftmost placement, unchanged base first): chr14-23429000-C-CT. GRCh37 (hg19) VCF-style: chr14-23898209-C-CT.
Other names: c.1361dup, p.Tyr455fs (NM_001407004.1); short protein forms Y455fs.
Identifiers: ClinVar variation 2773960 (VCV002773960.2), dbSNP rs2502301996, ClinGen allele CA2697553845.

ClinVar aggregate classification (germline): Uncertain significance (1 of 4 stars; one submission).

Conditions:
Cardiomyopathy (CMYO). Also called: Cardiomyopathies. Identifiers: Orphanet 167848, MedGen C0878544, MONDO:0004994, HP:0001638. Inheritance: Various modes of inheritance.

Submission:

Color Diagnostics, LLC DBA Color Health
Classification: Uncertain significance for Cardiomyopathy. Last evaluated: 2023-02-17. Review status: criteria provided, single submitter. Criteria: ACMG Guidelines, 2015. Collection method: clinical testing. Allele origin: germline.
Comment: This variant inserts 1 nucleotide in exon 14 of the MYH7 gene, creating a frameshift and premature translation stop signal. This variant is expected to result in an absent or non-functional protein product. To our knowledge, this variant has not been reported in individuals affected with MYH7-related disorders in the literature. This variant has not been identified in the general population by the Genome Aggregation Database (gnomAD). Clinical relevance of loss-of-function MYH7 truncation variants in autosomal dominant cardiovascular disorders is not clearly established. The available evidence is insufficient to determine the role of this variant in autosomal dominant disease conclusively. Therefore, this variant is classified as a Variant of Uncertain Significance.